The following is an entry in ClinVar:

ClinVar aggregate classification (germline): Likely benign. Review status: criteria provided, multiple submitters, no conflicts (2 of 4 stars). 3 submissions from 3 submitters: Likely benign (2). 1 of the submissions does not count toward it. Last evaluated 2024-10-24.

Conditions:
Phenylketonuria (PKU). Also called: FOLLING DISEASE; OLIGOPHRENIA PHENYLPYRUVICA; Phenylketonuria (PKU); Phenylketonurias. Identifiers: Orphanet 716, MedGen C0031485, MONDO:0009861, OMIM 261600. Disease mechanism: loss of function.
ASCL1-related disorder. Also called: ASCL1-related condition.

Submissions (3):

Blueprint Genetics
Classification: Likely benign. Last evaluated: 2024-10-24. Review status: criteria provided, single submitter. Criteria: ACMG Guidelines, 2015. Collection method: clinical testing. Allele origin: germline.

Fulgent Genetics
Classification: Likely benign for Phenylketonuria. Last evaluated: 2022-01-06. Review status: criteria provided, single submitter. Criteria: ACMG Guidelines, 2015. Collection method: clinical testing. Allele origin: unknown.

PreventionGenetics, part of Exact Sciences
Classification: Likely benign for ASCL1-related condition. Last evaluated: 2024-08-21. Review status: no assertion criteria provided. Collection method: clinical testing. Allele origin: germline. Not counted in ClinVar's aggregate classification.
Comment: This variant is classified as likely benign based on ACMG/AMP sequence variant interpretation guidelines (Richards et al. 2015 PMID: 25741868, with internal and published modifications).

NM_004316.4(ASCL1):c.151CAG[8] (p.Gln59_Gln62del)

Genes: ASCL1 (achaete-scute family bHLH transcription factor 1; plus strand), PAH (phenylalanine hydroxylase; minus strand). Cytogenetic location: 12q23.2.
Variant type: Microsatellite.
Coding change: c.151CAG[8] on transcript NM_004316.4 (MANE Select); eight copies in a row of the 3-base unit CAG starting at c.151; the reference has 12 copies in a row; four copies, 12 bases deleted.
Protein change: p.Gln59_Gln62del.
Molecular consequence: inframe deletion. On other transcripts: genic upstream transcript variant (1), 5 prime UTR variant (1).
Genome position (GRCh38, 1-based): chr12:102,958,419-102,958,430, CAGCAGCAGCAG deleted; deleting any 12 consecutive bases within chr12:102,958,394-102,958,430 gives the same sequence; the position shown is the placement nearest the transcript's 3' end. VCF-style (leftmost placement, unchanged base first): chr12-102958393-CGCAGCAGCAGCA-C. GRCh37 (hg19) VCF-style: chr12-103352171-CGCAGCAGCAGCA-C.
Other names: c.-41275_-41264del (NM_000277.3); c.175_186del12 (NM_004316.3); c.-330TGC[8] (NM_001354304.2).
Identifiers: ClinVar variation 259284 (VCV000259284.7), dbSNP rs3832799, ClinGen allele CA10587140.